The following is an entry in ClinVar:

ClinVar aggregate classification (germline): Uncertain significance (1 of 4 stars; one submission).

Conditions:
Fibrous dysplasia of jaw (CRBM). Also called: Cherubism. Identifiers: Orphanet 184, MedGen C0008029, MONDO:0007315, OMIM 118400.

gnomAD v4.1: 3 of 1,604,886 alleles (0.00019%); highest among the groups gnomAD compares: Non-Finnish European, 0.00025%; no homozygotes.

Submission:

Labcorp Genetics (formerly Invitae), Labcorp
Classification: Uncertain significance for Fibrous dysplasia of jaw. Last evaluated: 2024-09-21. Review status: criteria provided, single submitter. Criteria: Invitae Variant Classification Sherloc (09022015). Collection method: clinical testing. Allele origin: germline.
Comment: This sequence change replaces proline, which is neutral and non-polar, with arginine, which is basic and polar, at codon 403 of the SH3BP2 protein (p.Pro403Arg). This variant is not present in population databases (gnomAD no frequency). This variant has not been reported in the literature in individuals affected with SH3BP2-related conditions. Invitae Evidence Modeling of protein sequence and biophysical properties (such as structural, functional, and spatial information, amino acid conservation, physicochemical variation, residue mobility, and thermodynamic stability) indicates that this missense variant is not expected to disrupt SH3BP2 protein function with a negative predictive value of 95%. In summary, the available evidence is currently insufficient to determine the role of this variant in disease. Therefore, it has been classified as a Variant of Uncertain Significance.

NM_001122681.2(SH3BP2):c.1208C>G (p.Pro403Arg)

Gene: SH3BP2 (SH3 domain binding protein 2; plus strand). Cytogenetic location: 4p16.3.
Variant type: single nucleotide variant.
Coding change: c.1208C>G on transcript NM_001122681.2 (MANE Select); coding-DNA position 1208, C replaced by G.
Protein change: p.Pro403Arg; replaces proline 403 with arginine.
Molecular consequence: missense variant.
Genome position (GRCh38, 1-based): chr4:2,830,114, C>G. VCF-style: chr4-2830114-C-G. GRCh37 (hg19) VCF-style: chr4-2831841-C-G.
Other names: c.1292C>G, p.Pro431Arg (NM_001145855.2); c.1379C>G, p.Pro460Arg (NM_001145856.2); c.1208C>G, p.Pro403Arg (NM_003023.4); short protein forms P460R, P431R, P403R.
Identifiers: ClinVar variation 3680130 (VCV003680130.2).